The following is an entry in ClinVar:

NM_001142.2(AMELX):c.182T>C (p.Leu61Pro)

Genes: AMELX (amelogenin X-linked; plus strand), ARHGAP6 (Rho GTPase activating protein 6; minus strand). Cytogenetic location: Xp22.2.
Variant type: single nucleotide variant.
Coding change: c.182T>C on transcript NM_001142.2 (MANE Select); coding-DNA position 182, T replaced by C.
Protein change: p.Leu61Pro; replaces leucine 61 with proline.
Molecular consequence: missense variant. On other transcripts: intron variant (3).
Genome position (GRCh38, 1-based): chrX:11,298,585, T>C. VCF-style: chrX-11298585-T-C. GRCh37 (hg19) VCF-style: chrX-11316705-T-C.
Other names: c.224T>C, p.Leu75Pro (NM_182680.1); c.134T>C, p.Leu45Pro (NM_182681.1); c.589-43878A>G (NM_013427.3, NM_006125.3); c.49-43878A>G (NM_001287242.2); short protein forms L45P, L75P, L61P.
Identifiers: ClinVar variation 4981254 (VCV004981254.1).

ClinVar aggregate classification (germline): Uncertain significance (1 of 4 stars; one submission).

Conditions:
AMELX-related disorder. Also called: AMELX-related condition.

gnomAD v4.1: 29 of 1,208,894 alleles (0.0024%); highest among the groups gnomAD compares: African/African-American, 0.046%; no homozygotes.

Submission:

PreventionGenetics, part of Exact Sciences
Classification: Uncertain significance for AMELX-related condition. Last evaluated: 2025-12-28. Review status: criteria provided, single submitter. Criteria: ACMG Guidelines, 2015. Collection method: clinical testing. Allele origin: germline.
Comment: The AMELX c.224T>C variant is predicted to result in the amino acid substitution p.Leu75Pro. To our knowledge, this variant has not been reported in the literature. This variant is reported in 0.037% of alleles in individuals of African descent in gnomAD. At this time, the clinical significance of this variant is uncertain due to the absence of conclusive functional and genetic evidence.